The following is an entry in ClinVar:

NM_173660.5(DOK7):c.65G>A (p.Arg22Lys)

Gene: DOK7 (docking protein 7; plus strand). Cytogenetic location: 4p16.3.
Variant type: single nucleotide variant.
Coding change: c.65G>A on transcript NM_173660.5 (MANE Select); coding-DNA position 65, G replaced by A.
Protein change: p.Arg22Lys; replaces arginine 22 with lysine.
Molecular consequence: missense variant.
Genome position (GRCh38, 1-based): chr4:3,463,516, G>A. VCF-style: chr4-3463516-G-A. GRCh37 (hg19) VCF-style: chr4-3465243-G-A.
Other names: c.65G>A, p.Arg22Lys (NM_001164673.2, NM_001301071.2, NM_001363811.2); short protein forms R22K.
Identifiers: ClinVar variation 1034673 (VCV001034673.6), dbSNP rs756962738, ClinGen allele CA2828854.
Genomic context (GRCh38, chr4:3,463,516, plus strand): 5'-GGGGGGGCGCGGGCGCGGGCGGCGGCTCACGCTCCCCCCTGTCCCCGCAGTGGAAGAGTA[G>A]GTGGCTGGTGCTGCGGAAGCCGTCGCCCGTGGCAGGTGAGCGGGGCGGGCGGGGGACGGG-3'
Protein context (NP_775931.3, residues 12-32): KLRDGKKWKS[Arg22Lys]WLVLRKPSPV

ClinVar aggregate classification (germline): Uncertain significance (1 of 4 stars; one submission).

Conditions:
Congenital myasthenic syndrome 10. Also called: Myasthenia, limb-girdle, familial. Identifiers: Orphanet 590, MedGen C1850792, MONDO:0009690, OMIM 254300.
Fetal akinesia deformation sequence 1 (FADS1). Also called: Fetal akinesia sequence; Pena-Shokeir syndrome type I. Identifiers: Orphanet 994, MedGen C1276035, MONDO:0100101, OMIM 208150, HP:0001989.

Allele frequency attached by ClinVar (database versions not stated): gnomAD exomes 0.00001 and 0.00002; ExAC 0.00009.
gnomAD v4.1: 8 of 1,525,386 alleles (0.00052%); highest among the groups gnomAD compares: South Asian, 0.0072%; no homozygotes.

Submission:

Labcorp Genetics (formerly Invitae), Labcorp
Classification: Uncertain significance for Congenital myasthenic syndrome 10; Fetal akinesia deformation sequence 1. Last evaluated: 2021-09-01. Review status: criteria provided, single submitter. Criteria: Invitae Variant Classification Sherloc (09022015). Collection method: clinical testing. Allele origin: germline.
Comment: This sequence change replaces arginine with lysine at codon 22 of the DOK7 protein (p.Arg22Lys). The arginine residue is weakly conserved and there is a small physicochemical difference between arginine and lysine. While this variant is present in population databases (rs756962738), the frequency information is unreliable, as metrics indicate poor data quality at this position in the ExAC database. This variant has not been reported in the literature in individuals affected with DOK7-related conditions. Algorithms developed to predict the effect of missense changes on protein structure and function are either unavailable or do not agree on the potential impact of this missense change (SIFT: "Deleterious"; PolyPhen-2: "Benign"; Align-GVGD: "Class C0"). Algorithms developed to predict the effect of sequence changes on RNA splicing suggest that this variant may create or strengthen a splice site. In summary, the available evidence is currently insufficient to determine the role of this variant in disease. Therefore, it has been classified as a Variant of Uncertain Significance.